The following is an entry in ClinVar:

NM_000522.5(HOXA13):c.329_342del (p.Gly110fs)

Genes: HOXA13 (homeobox A13; minus strand), LOC107126288 (NUP98-HOXA13 recombination region; plus strand). Cytogenetic location: 7p15.2.
Variant type: Deletion.
Coding change: c.329_342del on transcript NM_000522.5 (MANE Select); coding-DNA positions 329 to 342, 14 bases deleted (GGGAGGCGCCCCCG).
Protein change: p.Gly110fs; shifts the reading frame from glycine 110.
Molecular consequence: frameshift variant.
Genome position (GRCh38, 1-based): chr7:27,199,736-27,199,749, CGGGGGCGCCTCCC deleted on the plus strand (GGGAGGCGCCCCCG on the coding strand, the reverse complement: HOXA13 is on the minus strand); deleting any 14 consecutive bases within chr7:27,199,736-27,199,758 gives the same sequence; the c. name uses the placement nearest the transcript's 3' end. VCF-style (leftmost placement, unchanged base first): chr7-27199735-ACGGGGGCGCCTCCC-A. GRCh37 (hg19) VCF-style: chr7-27239354-ACGGGGGCGCCTCCC-A.
Other names: short protein forms G110fs.
Identifiers: ClinVar variation 3382050 (VCV003382050.2).

ClinVar aggregate classification (germline): Uncertain significance (1 of 4 stars; one submission).

Conditions:
Hand-foot-genital syndrome (HFG). Also called: HFU syndrome; HFG syndrome; Hand-Foot-Uterus Syndrome. Identifiers: Orphanet 2438, MedGen C1841679, MONDO:0007698, OMIM 140000.
Guttmacher syndrome. Identifiers: Orphanet 2957, MedGen C1867801, MONDO:0008301, OMIM 176305.

Submission:

Juno Genomics, Hangzhou Juno Genomics, Inc
Classification: Uncertain significance for Guttmacher syndrome; Hand-foot-genital syndrome. Review status: criteria provided, single submitter. Criteria: ACMG Guidelines, 2015. Collection method: clinical testing. Allele origin: germline. Affected: yes.
Comment: Null variant in a gene where loss of function (LOF) is a known mechanism of disease.;Absent from controls (or at extremely low frequency if recessive) in Genome Aggregation Database, Exome Sequencing Project, 1000 Genomes Project, or Exome Aggregation Consortium.